The following is an entry in ClinVar:

NM_006182.4(DDR2):c.1497G>T (p.Glu499Asp)

Gene: DDR2 (discoidin domain receptor tyrosine kinase 2; plus strand). Cytogenetic location: 1q23.3.
Variant type: single nucleotide variant.
Coding change: c.1497G>T on transcript NM_006182.4 (MANE Select); coding-DNA position 1497, G replaced by T.
Protein change: p.Glu499Asp; replaces glutamic acid 499 with aspartic acid.
Molecular consequence: missense variant.
Genome position (GRCh38, 1-based): chr1:162,770,505, G>T. VCF-style: chr1-162770505-G-T. GRCh37 (hg19) VCF-style: chr1-162740295-G-T.
Other names: c.1497G>T, p.Glu499Asp (NM_001014796.3, NM_001354982.2, NM_001354983.2); short protein forms E499D.
Identifiers: ClinVar variation 4768407 (VCV004768407.1).

ClinVar aggregate classification (germline): Uncertain significance (1 of 4 stars; one submission).

gnomAD v4.1: 1 of 1,614,114 alleles (0.000062%); no homozygotes.

Submission:

Labcorp Genetics (formerly Invitae), Labcorp
Classification: Uncertain significance. Last evaluated: 2025-07-06. Review status: criteria provided, single submitter. Criteria: Invitae Variant Classification Sherloc (09022015). Collection method: clinical testing. Allele origin: germline.
Comment: This sequence change replaces glutamic acid, which is acidic and polar, with aspartic acid, which is acidic and polar, at codon 499 of the DDR2 protein (p.Glu499Asp). This variant is not present in population databases (gnomAD no frequency). This variant has not been reported in the literature in individuals affected with DDR2-related conditions. An algorithm developed to predict the effect of missense changes on protein structure and function (PolyPhen-2) suggests that this variant is likely to be tolerated. In summary, the available evidence is currently insufficient to determine the role of this variant in disease. Therefore, it has been classified as a Variant of Uncertain Significance.